The following is an entry in ClinVar:

ClinVar aggregate classification (germline): Uncertain significance. Review status: criteria provided, multiple submitters, no conflicts (2 of 4 stars). 3 submissions from 3 submitters: Uncertain significance (2). 1 of the submissions does not count toward it. Last evaluated 2025-10-13.

Conditions:
Hereditary cancer-predisposing syndrome. Also called: Neoplastic Syndromes, Hereditary; Hereditary Cancer Syndrome; Tumor predisposition; Hereditary neoplastic syndrome. Identifiers: Orphanet 140162, MedGen C0027672, MeSH D009386, MONDO:0015356.
Bloom syndrome (BLM). Also called: Bloom-Torre-Machacek syndrome. Identifiers: Orphanet 125, MedGen C0005859, MONDO:0008876, OMIM 210900.

Allele frequency attached by ClinVar (database versions not stated): gnomAD exomes below 0.00001 and 0.00002; ExAC 0.00002; gnomAD 0.00003 and 0.00004; TOPMed 0.00003.
gnomAD v4.1: 10 of 1,614,036 alleles (0.00062%); highest among the groups gnomAD compares: African/African-American, 0.011%; no homozygotes.

Submissions (3):

Labcorp Genetics (formerly Invitae), Labcorp
Classification: Uncertain significance for Bloom syndrome. Last evaluated: 2025-10-13. Review status: criteria provided, single submitter. Criteria: Invitae Variant Classification Sherloc (09022015). Collection method: clinical testing. Allele origin: germline.
Comment: This sequence change replaces proline, which is neutral and non-polar, with serine, which is neutral and polar, at codon 242 of the BLM protein (p.Pro242Ser). This variant is present in population databases (rs768513523, gnomAD 0.02%). This variant has not been reported in the literature in individuals affected with BLM-related conditions. ClinVar contains an entry for this variant (Variation ID: 582617). An algorithm developed to predict the effect of missense changes on protein structure and function outputs the following: PolyPhen-2: "Benign". The serine amino acid residue is found in multiple mammalian species, which suggests that this missense change does not adversely affect protein function. In summary, the available evidence is currently insufficient to determine the role of this variant in disease. Therefore, it has been classified as a Variant of Uncertain Significance.

Ambry Genetics
Classification: Uncertain significance for Hereditary cancer-predisposing syndrome. Last evaluated: 2025-07-10. Review status: criteria provided, single submitter. Criteria: Ambry Variant Classification Scheme 2023. Collection method: clinical testing. Allele origin: germline.
Comment: The p.P242S variant (also known as c.724C>T), located in coding exon 2 of the BLM gene, results from a C to T substitution at nucleotide position 724. The proline at codon 242 is replaced by serine, an amino acid with similar properties. This amino acid position is not well conserved in available vertebrate species. In addition, this alteration is predicted to be tolerated by in silico analysis. Since supporting evidence is limited at this time, the clinical significance of this alteration remains unclear.

Natera, Inc.
Classification: Uncertain significance for Bloom syndrome. Last evaluated: 2021-02-18. Review status: no assertion criteria provided. Collection method: clinical testing. Allele origin: germline. Not counted in ClinVar's aggregate classification.

NM_000057.4(BLM):c.724C>T (p.Pro242Ser)

Gene: BLM (BLM RecQ like helicase; plus strand). Cytogenetic location: 15q26.1.
Variant type: single nucleotide variant.
Coding change: c.724C>T on transcript NM_000057.4 (MANE Select); coding-DNA position 724, C replaced by T.
Protein change: p.Pro242Ser; replaces proline 242 with serine.
Molecular consequence: missense variant. On other transcripts: 5 prime UTR variant (1).
Genome position (GRCh38, 1-based): chr15:90,749,992, C>T. VCF-style: chr15-90749992-C-T. GRCh37 (hg19) VCF-style: chr15-91293222-C-T.
Other names: c.724C>T, p.Pro242Ser (NM_001287246.2, NM_001287247.2); c.-568C>T (NM_001287248.2); short protein forms P242S.
Identifiers: ClinVar variation 582617 (VCV000582617.20), dbSNP rs768513523, ClinGen allele CA7738338.